The following is an entry in ClinVar:

NM_005060.4(RORC):c.686G>A (p.Cys229Tyr)

Gene: RORC (RAR related orphan receptor C; minus strand). Cytogenetic location: 1q21.3.
Variant type: single nucleotide variant.
Coding change: c.686G>A on transcript NM_005060.4 (MANE Select); coding-DNA position 686, G replaced by A.
Protein change: p.Cys229Tyr; replaces cysteine 229 with tyrosine.
Molecular consequence: missense variant.
Genome position (GRCh38, 1-based): chr1:151,815,038, C>T on the plus strand (G>A on the coding strand, the complement: RORC is on the minus strand). VCF-style: chr1-151815038-C-T. GRCh37 (hg19) VCF-style: chr1-151787514-C-T.
Other names: c.623G>A, p.Cys208Tyr (NM_001001523.2); short protein forms C208Y, C229Y.
Identifiers: ClinVar variation 853697 (VCV000853697.11), dbSNP rs1312874608, ClinGen allele CA342015916.

ClinVar aggregate classification (germline): Uncertain significance (1 of 4 stars; one submission).

Conditions:
Autosomal recessive mendelian susceptibility to mycobacterial diseases due to complete RORgamma receptor deficiency. Also called: Immunodeficiency 42. Identifiers: Orphanet 477857, MedGen C5567647, MONDO:0014710, OMIM 616622.

Allele frequency attached by ClinVar (database versions not stated): TOPMed below 0.00001; gnomAD 0.00001; gnomAD exomes 0.00001.
gnomAD v4.1: 8 of 1,614,128 alleles (0.0005%); highest among the groups gnomAD compares: African/African-American, 0.0013%; no homozygotes.

Submission:

Labcorp Genetics (formerly Invitae), Labcorp
Classification: Uncertain significance for Autosomal recessive mendelian susceptibility to mycobacterial diseases due to complete RORgamma receptor deficiency. Last evaluated: 2022-07-13. Review status: criteria provided, single submitter. Criteria: Invitae Variant Classification Sherloc (09022015). Collection method: clinical testing. Allele origin: germline.
Comment: This sequence change replaces cysteine, which is neutral and slightly polar, with tyrosine, which is neutral and polar, at codon 229 of the RORC protein (p.Cys229Tyr). This variant is not present in population databases (gnomAD no frequency). This variant has not been reported in the literature in individuals affected with RORC-related conditions. ClinVar contains an entry for this variant (Variation ID: 853697). Algorithms developed to predict the effect of missense changes on protein structure and function output the following: SIFT: "Tolerated"; PolyPhen-2: "Benign"; Align-GVGD: "Class C0". The tyrosine amino acid residue is found in multiple mammalian species, which suggests that this missense change does not adversely affect protein function. In summary, the available evidence is currently insufficient to determine the role of this variant in disease. Therefore, it has been classified as a Variant of Uncertain Significance.